The following is an entry in ClinVar:

ClinVar aggregate classification (germline): Conflicting classifications of pathogenicity. Review status: criteria provided, conflicting classifications (1 of 4 stars). 3 submissions from 3 submitters: Likely pathogenic (1); Uncertain significance (1). 1 of the submissions does not count toward it. Last evaluated 2025-11-10.

Conditions:
Congenital secretory sodium diarrhea 8. Identifiers: Orphanet 103908, MedGen C5441928, MONDO:0014808, OMIM 616868.

Allele frequency attached by ClinVar (database versions not stated): gnomAD 0.00001; gnomAD exomes 0.00001; TOPMed 0.00001; ExAC 0.00004.
gnomAD v4.1: 10 of 1,571,640 alleles (0.00064%); highest among the groups gnomAD compares: East Asian, 0.0024%; no homozygotes.

Submissions (3):

Labcorp Genetics (formerly Invitae), Labcorp
Classification: Uncertain significance. Last evaluated: 2025-11-10. Review status: criteria provided, single submitter. Criteria: Invitae Variant Classification Sherloc (09022015). Collection method: clinical testing. Allele origin: germline.
Comment: This sequence change replaces glutamic acid, which is acidic and polar, with lysine, which is basic and polar, at codon 347 of the SLC9A3 protein (p.Glu347Lys). This variant is present in population databases (rs766583286, gnomAD 0.007%). This missense change has been observed in individual(s) with congenital sodium diarrhea (PMID: 31276831). ClinVar contains an entry for this variant (Variation ID: 625848). Invitae Evidence Modeling of protein sequence and biophysical properties (such as structural, functional, and spatial information, amino acid conservation, physicochemical variation, residue mobility, and thermodynamic stability) indicates that this missense variant is expected to disrupt SLC9A3 protein function with a positive predictive value of 80%. In summary, the available evidence is currently insufficient to determine the role of this variant in disease. Therefore, it has been classified as a Variant of Uncertain Significance.

Medical Genetics Department, Assistance Publique Hopitaux de Marseille
Classification: Likely pathogenic for Congenital secretory sodium diarrhea 8. Last evaluated: 2019-04-10. Review status: criteria provided, single submitter. Criteria: ACMG Guidelines, 2015. Collection method: clinical testing. Allele origin: inherited. Inheritance: Autosomal recessive inheritance. Affected: yes. Observed: 1 homozygote.
Comment: Congenital Sodium Diarrhea (CSD) is characterized by fecal Sodium loss and is either syndromic or isolated. Recently, Janecke et al. (PubMed:26358773) described nine patients from eight unrelated families with non-syndromic CSD due to recessive mutations of SLC9A3 gene. This genetic defect was responsible for abnormal function of Na+/H+ antiporter 3, a major intestinal brush border Na+/H+ exchanger.

OMIM
Classification: Pathogenic for DIARRHEA 8, SECRETORY SODIUM, CONGENITAL. Last evaluated: 2020-11-18. Review status: no assertion criteria provided. Collection method: literature only. Allele origin: germline. Not counted in ClinVar's aggregate classification.

Literature cited by the submitters: PubMed 31276831 (cited by Labcorp Genetics (formerly Invitae), Labcorp and OMIM).

NM_004174.4(SLC9A3):c.1039G>A (p.Glu347Lys)

Gene: SLC9A3 (solute carrier family 9 member A3). Cytogenetic location: 5p15.33.
Variant type: single nucleotide variant.
Coding change: c.1039G>A on transcript NM_004174.4 (MANE Select); coding-DNA position 1039, G replaced by A.
Protein change: p.Glu347Lys; replaces glutamic acid 347 with lysine.
Molecular consequence: missense variant.
Genome position (GRCh38, 1-based): chr5:483,376, C>T on the plus strand (G>A on the coding strand, the complement: SLC9A3 is on the minus strand). VCF-style: chr5-483376-C-T. GRCh37 (hg19) VCF-style: chr5-483491-C-T.
Other names: SLC9A3, GLU347LYS (rs766583286); c.1039G>A, p.Glu347Lys (NM_001284351.3); short protein forms E347K.
Identifiers: ClinVar variation 625848 (VCV000625848.5), dbSNP rs766583286, ClinGen allele CA3176098.